The following is an entry in ClinVar:

ClinVar aggregate classification (germline): Uncertain significance (1 of 4 stars; one submission).

Conditions:
Kennedy disease (SMAX1). Also called: SPINAL AND BULBAR MUSCULAR ATROPHY, X-LINKED 1; KENNEDY SPINAL AND BULBAR MUSCULAR ATROPHY; Spinal and Bulbar Muscular Atrophy. Identifiers: Orphanet 481, MedGen C1839259, MONDO:0010735, OMIM 313200.
Androgen resistance syndrome (AIS). Also called: Androgen insensitivity syndrome due to coactivator deficiency; Androgen insensitivity; ANDROGEN RECEPTOR DEFICIENCY; DIHYDROTESTOSTERONE RECEPTOR DEFICIENCY; DHTR DEFICIENCY; TESTICULAR FEMINIZATION SYNDROME. Identifiers: Orphanet 754, Orphanet 99429, MedGen C0039585, MONDO:0019154, OMIM 300068. Disease mechanism: loss of function.

Submission:

Labcorp Genetics (formerly Invitae), Labcorp
Classification: Uncertain significance for Kennedy disease; Androgen resistance syndrome. Last evaluated: 2022-09-26. Review status: criteria provided, single submitter. Criteria: Invitae Variant Classification Sherloc (09022015). Collection method: clinical testing. Allele origin: germline.
Comment: Advanced modeling of protein sequence and biophysical properties (such as structural, functional, and spatial information, amino acid conservation, physicochemical variation, residue mobility, and thermodynamic stability) has been performed at Invitae for this missense variant, however the output from this modeling did not meet the statistical confidence thresholds required to predict the impact of this variant on AR protein function. This sequence change replaces leucine, which is neutral and non-polar, with isoleucine, which is neutral and non-polar, at codon 798 of the AR protein (p.Leu798Ile). This variant is not present in population databases (gnomAD no frequency). This variant has not been reported in the literature in individuals affected with AR-related conditions. In summary, the available evidence is currently insufficient to determine the role of this variant in disease. Therefore, it has been classified as a Variant of Uncertain Significance.

NM_000044.6(AR):c.2392C>A (p.Leu798Ile)

Gene: AR (androgen receptor; plus strand). Cytogenetic location: Xq12.
Variant type: single nucleotide variant.
Coding change: c.2392C>A on transcript NM_000044.6 (MANE Select); coding-DNA position 2392, C replaced by A.
Protein change: p.Leu798Ile; replaces leucine 798 with isoleucine.
Molecular consequence: missense variant.
Genome position (GRCh38, 1-based): chrX:67,721,906, C>A. VCF-style: chrX-67721906-C-A. GRCh37 (hg19) VCF-style: chrX-66941748-C-A.
Other names: c.796C>A, p.Leu266Ile (NM_001011645.3); short protein forms L266I, L798I.
Identifiers: ClinVar variation 1719820 (VCV001719820.5), dbSNP rs2147535848, ClinGen allele CA413426783.